The following is an entry in ClinVar:

ClinVar aggregate classification (germline): Benign (1 of 4 stars; one submission).

Allele frequency attached by ClinVar (database versions not stated): 1000 Genomes Project 30x 0.76765; 1000 Genomes Project 0.77436; TOPMed 0.80802; gnomAD 0.84582; gnomAD exomes 0.94224.
gnomAD v4.1: 937,759 of 1,013,204 alleles (93%); highest among the groups gnomAD compares: Non-Finnish European, 98%; 440,533 homozygotes.

Submission:

GeneDx
Classification: Benign. Last evaluated: 2018-06-16. Review status: criteria provided, single submitter. Criteria: GeneDx Variant Classification (06012015). Collection method: clinical testing. Allele origin: germline. Affected: yes.
Comment: This variant is considered likely benign or benign based on one or more of the following criteria: it is a conservative change, it occurs at a poorly conserved position in the protein, it is predicted to be benign by multiple in silico algorithms, and/or has population frequency not consistent with disease.

NM_020549.5(CHAT):c.1111+136C>A

Gene: CHAT (choline O-acetyltransferase; plus strand). Cytogenetic location: 10q11.23.
Variant type: single nucleotide variant.
Coding change: c.1111+136C>A on transcript NM_020549.5 (MANE Select); 136 bases into the intron after coding-DNA position 1111, C replaced by A.
Molecular consequence: intron variant.
Genome position (GRCh38, 1-based): chr10:49,627,921, C>A. VCF-style: chr10-49627921-C-A. GRCh37 (hg19) VCF-style: chr10-50835967-C-A.
Other names: c.757+136C>A (NM_020984.4, NM_020985.4, NM_020986.4 and 2 more transcripts); c.865+136C>A (NM_001142933.2).
Identifiers: ClinVar variation 678934 (VCV000678934.1), dbSNP rs3810951, ClinGen allele CA13315398.